The following is an entry in ClinVar:

ClinVar aggregate classification (germline): Pathogenic. Review status: criteria provided, multiple submitters, no conflicts (2 of 4 stars). 7 submissions from 7 submitters: Pathogenic (6). 1 of the submissions does not count toward it. Last evaluated 2025-11-26.

Conditions:
X-linked severe combined immunodeficiency (SCIDX1). Also called: X-Linked Combined Immunodeficiency Diseases; T-B+ severe combined immunodeficiency due to gamma chain deficiency; IMMUNODEFICIENCY 4; SCID, X-LINKED; SEVERE COMBINED IMMUNODEFICIENCY, X-LINKED, T CELL-NEGATIVE, B CELL-POSITIVE, NK CELL-NEGATIVE. Identifiers: Orphanet 276, MedGen C6022468, MONDO:0010315, OMIM 300400. Disease mechanism: loss of function.
Combined immunodeficiency, X-linked (CIDX). Also called: IMMUNODEFICIENCY 6. Identifiers: MedGen C6022467, MONDO:0010730, OMIM 312863.

Submissions (7):

Labcorp Genetics (formerly Invitae), Labcorp
Classification: Pathogenic for X-linked severe combined immunodeficiency. Last evaluated: 2025-11-26. Review status: criteria provided, single submitter. Criteria: Invitae Variant Classification Sherloc (09022015). Collection method: clinical testing. Allele origin: germline.
Comment: This sequence change creates a premature translational stop signal (p.Arg289*) in the IL2RG gene. It is expected to result in an absent or disrupted protein product. Loss-of-function variants in IL2RG are known to be pathogenic (PMID: 9058718, 10794430). This variant is not present in population databases (gnomAD no frequency). This premature translational stop signal has been observed in individual(s) with X-linked recessive severe combined immunodeficiency (PMID: 8462096, 8781427). ClinVar contains an entry for this variant (Variation ID: 36389). For these reasons, this variant has been classified as Pathogenic.

Victorian Clinical Genetics Services, Murdoch Childrens Research Institute
Classification: Pathogenic for X-linked severe combined immunodeficiency. Last evaluated: 2024-10-08. Review status: criteria provided, single submitter. Criteria: ACMG Guidelines, 2015. Collection method: clinical testing. Allele origin: germline. Inheritance: X-linked recessive inheritance. Affected: yes.
Comment: Based on the classification scheme VCGS_Germline_v1.3.4, this variant is classified as Pathogenic. Following criteria are met: 0102 - Loss of function is a known mechanism of disease in this gene and is associated with X-linked moderate combined immunodeficiency (MIM#312863) and severe combined immunodeficiency (MIM#300400). The former is caused by hypomorphic variants with residual protein function, while the latter is caused by null variants (PMID: 20301584). (I) 0109 - This gene is associated with X-linked recessive disease. (I) 0201 - Variant is predicted to cause nonsense-mediated decay (NMD) and loss of protein (premature termination codon is located at least 54 nucleotides upstream of the final exon-exon junction). (SP) 0301 - Variant is absent from gnomAD (both v2 and v3). (SP) 0701 - Other NMD-predicted variants comparable to the one identified in this case have very strong previous evidence for pathogenicity (DECIPHER). (SP) 0801 - This variant has strong previous evidence of pathogenicity in unrelated individuals. It has been reported in individuals with severe combined immunodeficiency (PMID: 35874699) and classified as pathogenic by diagnostic laboratories in ClinVar. (SP) Legend: (SP) - Supporting pathogenic, (I) - Information, (SB) - Supporting benign

GeneDx
Classification: Pathogenic. Last evaluated: 2022-12-20. Review status: criteria provided, single submitter. Criteria: GeneDx Variant Classification Process June 2021. Collection method: clinical testing. Allele origin: germline. Affected: yes.
Comment: Nonsense variant resulting in protein truncation, as functional studies demonstrate R289X is expressed but the resultant protein prevents proper IL-2 receptor complex signaling (PMID 7668284, 8781427); Not observed at significant frequency in large population cohorts (gnomAD); This variant is associated with the following publications: (PMID: 22039266, 8462096, 7557965, 25525159, 9058718, 7668284, 8781427, 33040328, 32445296, 33628209, 34134972, 35874699)

Women's Health and Genetics/Laboratory Corporation of America, LabCorp
Classification: Pathogenic for X-linked severe combined immunodeficiency. Last evaluated: 2022-06-09. Review status: criteria provided, single submitter. Criteria: LabCorp Variant Classification Summary - May 2015. Collection method: clinical testing. Allele origin: germline.
Comment: Variant summary: IL2RG c.865C>T (p.Arg289X) results in a premature termination codon, predicted to cause a truncation of the encoded protein or absence of the protein due to nonsense mediated decay, which are commonly known mechanisms for disease. Truncations downstream of this position have been classified as pathogenic by our laboratory. The variant was absent in 183410 control chromosomes. c.865C>T has been reported in the literature in multiple individuals affected with X-Linked Severe Combined Immunodeficiency. These data indicate that the variant is very likely to be associated with disease. At least one publication reports experimental evidence evaluating an impact on protein function and showed that this variant caused reduced protein internalization (Morelon_1996). Two clinical diagnostic laboratories have submitted clinical-significance assessments for this variant to ClinVar after 2014 without evidence for independent evaluation. Both laboratories classified the variant as pathogenic. Based on the evidence outlined above, the variant was classified as pathogenic.

Juno Genomics, Hangzhou Juno Genomics, Inc
Classification: Pathogenic for Combined immunodeficiency, X-linked; X-linked severe combined immunodeficiency. Review status: criteria provided, single submitter. Criteria: ACMG Guidelines, 2015. Collection method: clinical testing. Allele origin: germline.
Comment: Null variant in a gene where loss of function (LOF) is a known mechanism of disease.;Absent from controls (or at extremely low frequency if recessive) in Genome Aggregation Database.;The prevalence of the variant in affected individuals is significantly increased compared to the prevalence in controls.;Patient's phenotype or family history is highly specific for a disease with a single genetic etiology.

Suma Genomics
Classification: Pathogenic for X-linked severe combined immunodeficiency. Review status: criteria provided, single submitter. Criteria: ACMG Guidelines, 2015. Collection method: clinical testing. Allele origin: germline. Inheritance: X-linked inheritance. Affected: yes. Observed: 1 hemizygote.

OMIM
Classification: Pathogenic for SEVERE COMBINED IMMUNODEFICIENCY, X-LINKED. Last evaluated: 1993-04-09. Review status: no assertion criteria provided. Collection method: literature only. Allele origin: germline. Not counted in ClinVar's aggregate classification.

Literature cited by the submitters: PubMed 9058718 (cited by Labcorp Genetics (formerly Invitae), Labcorp and Women's Health and Genetics/Laboratory Corporation of America, LabCorp); PubMed 10794430 (cited by Labcorp Genetics (formerly Invitae), Labcorp); PubMed 8462096 (cited by 3 submitters); PubMed 8781427 (cited by Labcorp Genetics (formerly Invitae), Labcorp and Women's Health and Genetics/Laboratory Corporation of America, LabCorp); PubMed 20301584 (cited by Victorian Clinical Genetics Services, Murdoch Childrens Research Institute); PubMed 35874699 (cited by Victorian Clinical Genetics Services, Murdoch Childrens Research Institute); PubMed 11213805 (cited by Women's Health and Genetics/Laboratory Corporation of America, LabCorp); PubMed 9150730 (cited by Women's Health and Genetics/Laboratory Corporation of America, LabCorp); PubMed 10784449 (cited by Women's Health and Genetics/Laboratory Corporation of America, LabCorp); PubMed 11961146 (cited by Women's Health and Genetics/Laboratory Corporation of America, LabCorp); PubMed 8961626 (cited by Women's Health and Genetics/Laboratory Corporation of America, LabCorp); PubMed 7557965 (cited by Women's Health and Genetics/Laboratory Corporation of America, LabCorp); PubMed 8027558 (cited by Women's Health and Genetics/Laboratory Corporation of America, LabCorp); PubMed 7668284 (cited by Women's Health and Genetics/Laboratory Corporation of America, LabCorp); PubMed 8712778 (cited by Women's Health and Genetics/Laboratory Corporation of America, LabCorp); PubMed 8298124 (cited by Women's Health and Genetics/Laboratory Corporation of America, LabCorp); PubMed 18641513 (cited by Women's Health and Genetics/Laboratory Corporation of America, LabCorp); PubMed 18941169 (cited by Women's Health and Genetics/Laboratory Corporation of America, LabCorp).

NM_000206.3(IL2RG):c.865C>T (p.Arg289Ter)

Gene: IL2RG (interleukin 2 receptor subunit gamma; minus strand). Cytogenetic location: Xq13.1.
Variant type: single nucleotide variant.
Coding change: c.865C>T on transcript NM_000206.3 (MANE Select); coding-DNA position 865, C replaced by T.
Protein change: p.Arg289Ter; replaces arginine 289 with a stop codon.
Molecular consequence: nonsense.
Genome position (GRCh38, 1-based): chrX:71,108,336, G>A on the plus strand (C>T on the coding strand, the complement: IL2RG is on the minus strand). VCF-style: chrX-71108336-G-A. GRCh37 (hg19) VCF-style: chrX-70328186-G-A.
Other names: R267*.
Identifiers: ClinVar variation 36389 (VCV000036389.22), dbSNP rs137852508, ClinGen allele CA260422.